The following is an entry in ClinVar:

NM_032776.3(JMJD1C):c.6292-3T>C

Gene: JMJD1C (jumonji domain containing 1C; minus strand). Cytogenetic location: 10q21.3.
Variant type: single nucleotide variant.
Coding change: c.6292-3T>C on transcript NM_032776.3 (MANE Select); 3 bases into the intron before coding-DNA position 6292, T replaced by C.
Molecular consequence: intron variant.
Genome position (GRCh38, 1-based): chr10:63,189,449, A>G on the plus strand (T>C on the coding strand, the complement: JMJD1C is on the minus strand). VCF-style: chr10-63189449-A-G. GRCh37 (hg19) VCF-style: chr10-64949209-A-G.
Other names: c.5635-3T>C (NM_001322258.2, NM_001322254.2); c.5746-3T>C (NM_001318154.2, NM_001282948.2); c.6178-3T>C (NM_001322252.2); c.5428-3T>C (NM_001318153.2).
Identifiers: ClinVar variation 771275 (VCV000771275.34), dbSNP rs562569205, ClinGen allele CA5517895.

ClinVar aggregate classification (germline): Benign. Review status: criteria provided, multiple submitters, no conflicts (2 of 4 stars). 2 submissions from 2 submitters: Benign (2). Last evaluated 2025-12-26.

Conditions:
Early Myoclonic Encephalopathy. Identifiers: MedGen C0270855.

Allele frequency attached by ClinVar (database versions not stated): gnomAD below 0.00001 and 0.00017; TOPMed 0.00003; gnomAD exomes 0.00039 and 0.00085; ExAC 0.00101; 1000 Genomes Project 30x 0.00172; 1000 Genomes Project 0.00220.
gnomAD v4.1: 604 of 1,589,158 alleles (0.038%); highest among the groups gnomAD compares: South Asian, 0.63%; 9 homozygotes.

Submissions (2):

Labcorp Genetics (formerly Invitae), Labcorp
Classification: Benign for Early Myoclonic Encephalopathy. Last evaluated: 2025-12-26. Review status: criteria provided, single submitter. Criteria: Invitae Variant Classification Sherloc (09022015). Collection method: clinical testing. Allele origin: germline.

CeGaT Center for Human Genetics Tuebingen
Classification: Benign. Last evaluated: 2022-09-01. Review status: criteria provided, single submitter. Criteria: CeGaT Center For Human Genetics Tuebingen Variant Classification Criteria Version 2. Collection method: clinical testing. Allele origin: germline. Affected: yes. Observed: 1 variant allele.
Comment: JMJD1C: BS1, BS2